The following is an entry in ClinVar:

NM_144643.4(SCLT1):c.1390C>T (p.Gln464Ter)

Gene: SCLT1 (sodium channel and clathrin linker 1; minus strand). Cytogenetic location: 4q28.2.
Variant type: single nucleotide variant.
Coding change: c.1390C>T on transcript NM_144643.4 (MANE Select); coding-DNA position 1390, C replaced by T.
Protein change: p.Gln464Ter; replaces glutamine 464 with a stop codon.
Molecular consequence: nonsense.
Genome position (GRCh38, 1-based): chr4:128,946,056, G>A on the plus strand (C>T on the coding strand, the complement: SCLT1 is on the minus strand). VCF-style: chr4-128946056-G-A. GRCh37 (hg19) VCF-style: chr4-129867211-G-A.
Other names: c.1390C>T, p.Gln464Ter (NM_001410807.1); short protein forms Q464*.
Identifiers: ClinVar variation 4989026 (VCV004989026.1).
Genomic context (GRCh38, chr4:128,946,056, plus strand): 5'-GAAAAACTTACTCAGTTTCAAGTTGTTTTATTCTATTTTCTGCTCTCGTAAGTCTTAGCT[G>A]AAGATCATCTTTTGAACGCTCTGAAACCAGGAATCTTTGGTGCATTTCTTCCAGTTTTCT-3'

ClinVar aggregate classification (germline): Uncertain significance (1 of 4 stars; one submission).

Conditions:
SCLT1-related disorder. Also called: SCLT1-related condition.

gnomAD v4.1: 1 of 1,611,488 alleles (0.000062%); highest among the groups gnomAD compares: Non-Finnish European, 0.000085%; no homozygotes.

Submission:

PreventionGenetics, part of Exact Sciences
Classification: Uncertain significance for SCLT1-related condition. Last evaluated: 2025-07-21. Review status: criteria provided, single submitter. Criteria: ACMG Guidelines, 2015. Collection method: clinical testing. Allele origin: germline.
Comment: The SCLT1 c.1390C>T variant is predicted to result in premature protein termination (p.Gln464*). To our knowledge, this variant has not been reported in the literature or in a large population database (gnomAD), indicating this variant is rare. Although we suspect that this variant may be pathogenic, at this time, the clinical significance of this variant is uncertain due to the absence of conclusive functional and genetic evidence.